The following is an entry in ClinVar:

ClinVar aggregate classification (germline): Conflicting classifications of pathogenicity. Review status: criteria provided, conflicting classifications (1 of 4 stars). 3 submissions from 3 submitters: Uncertain significance (1); Likely benign (2). Last evaluated 2026-01-16.

Conditions:
Charcot-Marie-Tooth disease axonal type 2O. Also called: CHARCOT-MARIE-TOOTH NEUROPATHY, AXONAL, TYPE 2O; CHARCOT-MARIE-TOOTH DISEASE, AXONAL, AUTOSOMAL DOMINANT, TYPE 2O; Charcot-Marie-Tooth Neuropathy Type 2O; Charcot-Marie-Tooth disease, axonal, type 20. Identifiers: Orphanet 284232, MedGen C3280220, MONDO:0013644, OMIM 614228.

Allele frequency attached by ClinVar (database versions not stated): gnomAD exomes below 0.00001; ExAC 0.00001.
gnomAD v4.1: 2 of 1,613,688 alleles (0.00012%); highest among the groups gnomAD compares: Non-Finnish European, 0.00017%; no homozygotes.

Submissions (3):

Labcorp Genetics (formerly Invitae), Labcorp
Classification: Uncertain significance for Charcot-Marie-Tooth disease axonal type 2O. Last evaluated: 2026-01-16. Review status: criteria provided, single submitter. Criteria: Invitae Variant Classification Sherloc (09022015). Collection method: clinical testing. Allele origin: germline.
Comment: This sequence change falls in intron 44 of the DYNC1H1 gene. It does not directly change the encoded amino acid sequence of the DYNC1H1 protein. It affects a nucleotide within the consensus splice site. The frequency data for this variant in the population databases is considered unreliable, as metrics indicate poor data quality at this position in the gnomAD database. This variant has not been reported in the literature in individuals affected with DYNC1H1-related conditions. ClinVar contains an entry for this variant (Variation ID: 382875). Variants that disrupt the consensus splice site are a relatively common cause of aberrant splicing (PMID: 17576681, 9536098). Algorithms developed to predict the effect of sequence changes on RNA splicing suggest that this variant is not likely to affect RNA splicing. In summary, the available evidence is currently insufficient to determine the role of this variant in disease. Therefore, it has been classified as a Variant of Uncertain Significance.

Blueprint Genetics
Classification: Likely benign. Last evaluated: 2022-11-18. Review status: criteria provided, single submitter. Criteria: ACMG Guidelines, 2015. Collection method: clinical testing. Allele origin: germline.

GeneDx
Classification: Likely benign. Last evaluated: 2016-01-18. Review status: criteria provided, single submitter. Criteria: GeneDx Variant Classification (06012015). Collection method: clinical testing. Allele origin: germline. Affected: yes.
Comment: This variant is considered likely benign or benign based on one or more of the following criteria: it is a conservative change, it occurs at a poorly conserved position in the protein, it is predicted to be benign by multiple in silico algorithms, and/or has population frequency not consistent with disease.

Literature cited by the submitters: PubMed 17576681 (cited by Labcorp Genetics (formerly Invitae), Labcorp); PubMed 9536098 (cited by Labcorp Genetics (formerly Invitae), Labcorp).

NM_001376.5(DYNC1H1):c.8771+6C>A

Gene: DYNC1H1 (dynein cytoplasmic 1 heavy chain 1; plus strand). Cytogenetic location: 14q32.31.
Variant type: single nucleotide variant.
Coding change: c.8771+6C>A on transcript NM_001376.5 (MANE Select); 6 bases into the intron after coding-DNA position 8771, C replaced by A.
Molecular consequence: intron variant.
Genome position (GRCh38, 1-based): chr14:102,026,713, C>A. VCF-style: chr14-102026713-C-A. GRCh37 (hg19) VCF-style: chr14-102493050-C-A.
Identifiers: ClinVar variation 382875 (VCV000382875.7), dbSNP rs756924858, ClinGen allele CA7353106.